The following is an entry in ClinVar:

ClinVar aggregate classification (germline): Uncertain significance. Review status: criteria provided, multiple submitters, no conflicts (2 of 4 stars). 4 submissions from 4 submitters: Uncertain significance (4). Last evaluated 2025-11-03.

Conditions:
Nephronophthisis. Also called: Juvenile Nephronophthisis. Identifiers: Orphanet 655, MedGen C0687120, MONDO:0019005, HP:0000090.
Senior-Loken syndrome 5 (SLSN5). Identifiers: Orphanet 3156, MedGen C1836517, MONDO:0012225, OMIM 609254.
IQCB1-related disorder. Also called: IQCB1-related condition.

Allele frequency attached by ClinVar (database versions not stated): gnomAD exomes 0.00001 and 0.00002; ExAC 0.00002; gnomAD 0.00008 and 0.00009; TOPMed 0.00012; ESP Exome Variant Server 0.00015.
gnomAD v4.1: 25 of 1,612,888 alleles (0.0016%); highest among the groups gnomAD compares: African/African-American, 0.032%; no homozygotes.

Submissions (4):

PreventionGenetics, part of Exact Sciences
Classification: Uncertain significance for IQCB1-related condition. Last evaluated: 2025-11-03. Review status: criteria provided, single submitter. Criteria: ACMG Guidelines, 2015. Collection method: clinical testing. Allele origin: germline.
Comment: The IQCB1 c.1123C>A variant is predicted to result in the amino acid substitution p.His375Asn. To our knowledge, this variant has not been reported in the literature. This variant is reported in 0.024% of alleles in individuals of African descent in gnomAD. At this time, the clinical significance of this variant is uncertain due to the absence of conclusive functional and genetic evidence.

Blueprint Genetics
Classification: Uncertain significance. Last evaluated: 2024-07-30. Review status: criteria provided, single submitter. Criteria: ACMG Guidelines, 2015. Collection method: clinical testing. Allele origin: germline.

Labcorp Genetics (formerly Invitae), Labcorp
Classification: Uncertain significance for Nephronophthisis. Last evaluated: 2022-11-01. Review status: criteria provided, single submitter. Criteria: Invitae Variant Classification Sherloc (09022015). Collection method: clinical testing. Allele origin: germline.
Comment: This sequence change replaces histidine, which is basic and polar, with asparagine, which is neutral and polar, at codon 375 of the IQCB1 protein (p.His375Asn). This variant is present in population databases (rs137890014, gnomAD 0.02%). This variant has not been reported in the literature in individuals affected with IQCB1-related conditions. ClinVar contains an entry for this variant (Variation ID: 1002976). Advanced modeling of protein sequence and biophysical properties (such as structural, functional, and spatial information, amino acid conservation, physicochemical variation, residue mobility, and thermodynamic stability) performed at Invitae indicates that this missense variant is not expected to disrupt IQCB1 protein function. In summary, the available evidence is currently insufficient to determine the role of this variant in disease. Therefore, it has been classified as a Variant of Uncertain Significance.

Fulgent Genetics
Classification: Uncertain significance for Senior-Loken syndrome 5. Last evaluated: 2021-07-24. Review status: criteria provided, single submitter. Criteria: ACMG Guidelines, 2015. Collection method: clinical testing. Allele origin: unknown.

NM_001023570.4(IQCB1):c.1123C>A (p.His375Asn)

Gene: IQCB1 (IQ motif containing B1; minus strand). Cytogenetic location: 3q13.33.
Variant type: single nucleotide variant.
Coding change: c.1123C>A on transcript NM_001023570.4 (MANE Select); coding-DNA position 1123, C replaced by A.
Protein change: p.His375Asn; replaces histidine 375 with asparagine.
Molecular consequence: missense variant. On other transcripts: non-coding transcript variant (1).
Genome position (GRCh38, 1-based): chr3:121,790,079, G>T on the plus strand (C>A on the coding strand, the complement: IQCB1 is on the minus strand). VCF-style: chr3-121790079-G-T. GRCh37 (hg19) VCF-style: chr3-121508926-G-T.
Other names: c.1123C>A (NM_001023570.3); c.724C>A, p.His242Asn (NM_001023571.4); c.1123C>A, p.His375Asn (NM_001319107.2); short protein forms H242N, H375N.
Identifiers: ClinVar variation 1002976 (VCV001002976.7), dbSNP rs137890014, ClinGen allele CA2567200.